The following is an entry in ClinVar:

ClinVar aggregate classification (germline): Uncertain significance. Review status: criteria provided, multiple submitters, no conflicts (2 of 4 stars). 3 submissions from 3 submitters: Uncertain significance (3). Last evaluated 2026-01-14.

Conditions:
Pheochromocytoma/paraganglioma syndrome 4. Also called: SDHB-Related Hereditary Paraganglioma-Pheochromocytoma Syndrome (Paragangliomas 4); SDHB-Related Hereditary Paraganglioma-Pheochromocytoma Syndrome; CAROTID BODY TUMORS AND MULTIPLE EXTRAADRENAL PHEOCHROMOCYTOMAS; PARAGANGLIOMA, FAMILIAL MALIGNANT; PARAGANGLIOMAS, HEREDITARY EXTRAADRENAL; PHEOCHROMOCYTOMA, FAMILIAL EXTRAADRENAL. Identifiers: Orphanet 29072, MedGen C1861848, MONDO:0007273, OMIM 115310.
Pheochromocytoma. Also called: MAX-Related Hereditary Paraganglioma-Pheochromocytoma Syndrome. Identifiers: Orphanet 29072, MedGen C0031511, MONDO:0008233, OMIM 171300, HP:0002666.
Gastrointestinal stromal tumor. Also called: Gastrointestinal stromal tumor, somatic; Gastrointestinal stroma tumor. Identifiers: Orphanet 44890, MedGen C0238198, MeSH D046152, MONDO:0011719, OMIM 606764, HP:0100723.
Hereditary cancer-predisposing syndrome. Also called: Neoplastic Syndromes, Hereditary; Tumor predisposition; Hereditary Cancer Syndrome; Hereditary neoplastic syndrome. Identifiers: Orphanet 140162, MedGen C0027672, MeSH D009386, MONDO:0015356.
Hereditary pheochromocytoma and paraganglioma. Also called: Hereditary paragangliomas and pheochromocytomas; Hereditary pheochromocytoma-paraganglioma; Hereditary Paraganglioma-Pheochromocytoma Syndromes. Identifiers: Orphanet 29072, MedGen C4274332, MONDO:0017366.

Submissions (3):

Ambry Genetics
Classification: Uncertain significance for Hereditary cancer-predisposing syndrome. Last evaluated: 2026-01-14. Review status: criteria provided, single submitter. Criteria: Ambry Variant Classification Scheme 2023. Collection method: clinical testing. Allele origin: germline.

All of Us Research Program, National Institutes of Health
Classification: Uncertain significance for Hereditary pheochromocytoma and paraganglioma. Last evaluated: 2024-06-09. Review status: criteria provided, single submitter. Criteria: ACMG Guidelines, 2015. Collection method: clinical testing. Allele origin: germline. Inheritance: Autosomal dominant inheritance. Observed: 1 variant allele, 1 heterozygote.
Comment: This missense variant replaces serine with threonine at codon 198 of the SDHB protein. Computational prediction suggests that this variant may have deleterious impact on protein structure and function (internally defined REVEL score threshold >= 0.7, PMID: 27666373). To our knowledge, functional studies have not been reported for this variant. This variant has not been reported in individuals affected with SDHB-related disorders in the literature. This variant has not been identified in the general population by the Genome Aggregation Database (gnomAD). The available evidence is insufficient to determine the role of this variant in disease conclusively. Therefore, this variant is classified as a Variant of Uncertain Significance.

This study involves interpretation of variants in research participants for the purpose of population health screening. Participant phenotype was not available at the time of variant classification. Additional details can be found in publication PMID: 35346344, PMCID: PMC8962531

Labcorp Genetics (formerly Invitae), Labcorp
Classification: Uncertain significance for Gastrointestinal stromal tumor; Pheochromocytoma/paraganglioma syndrome 4; Pheochromocytoma. Last evaluated: 2022-10-17. Review status: criteria provided, single submitter. Criteria: Invitae Variant Classification Sherloc (09022015). Collection method: clinical testing. Allele origin: germline.
Comment: This sequence change replaces serine, which is neutral and polar, with threonine, which is neutral and polar, at codon 198 of the SDHB protein (p.Ser198Thr). This variant is not present in population databases (gnomAD no frequency). This variant has not been reported in the literature in individuals affected with SDHB-related conditions. ClinVar contains an entry for this variant (Variation ID: 649342). Advanced modeling of protein sequence and biophysical properties (such as structural, functional, and spatial information, amino acid conservation, physicochemical variation, residue mobility, and thermodynamic stability) performed at Invitae indicates that this missense variant is expected to disrupt SDHB protein function. In summary, the available evidence is currently insufficient to determine the role of this variant in disease. Therefore, it has been classified as a Variant of Uncertain Significance.

NM_003000.3(SDHB):c.593G>C (p.Ser198Thr)

Gene: SDHB (succinate dehydrogenase complex iron sulfur subunit B; minus strand). Cytogenetic location: 1p36.13.
Variant type: single nucleotide variant.
Coding change: c.593G>C on transcript NM_003000.3 (MANE Select); coding-DNA position 593, G replaced by C.
Protein change: p.Ser198Thr; replaces serine 198 with threonine.
Molecular consequence: missense variant.
Genome position (GRCh38, 1-based): chr1:17,024,022, C>G on the plus strand (G>C on the coding strand, the complement: SDHB is on the minus strand). VCF-style: chr1-17024022-C-G. GRCh37 (hg19) VCF-style: chr1-17350517-C-G.
Other names: short protein forms S198T.
Identifiers: ClinVar variation 649342 (VCV000649342.13), dbSNP rs1570945857, ClinGen allele CA338271110.